The following is an entry in ClinVar:

NM_025114.4(CEP290):c.5790del (p.Glu1931fs)

Gene: CEP290 (centrosomal protein 290; minus strand). Cytogenetic location: 12q21.32.
Variant type: Deletion.
Coding change: c.5790del on transcript NM_025114.4 (MANE Select); coding-DNA position 5790, one base deleted (A; older notation c.5790delA).
Protein change: p.Glu1931fs; shifts the reading frame from glutamic acid 1931.
Molecular consequence: frameshift variant.
Genome position (GRCh38, 1-based): chr12:88,071,846, T deleted on the plus strand (A on the coding strand, the reverse complement: CEP290 is on the minus strand); the first of 4 consecutive T bases (chr12:88,071,846-88,071,849); deleting any one gives the same sequence. VCF-style (leftmost placement, unchanged base first): chr12-88071845-CT-C. GRCh37 (hg19) VCF-style: chr12-88465622-CT-C.
Other names: short protein forms E1931fs.
Identifiers: ClinVar variation 1422045 (VCV001422045.6), dbSNP rs2136964542, ClinGen allele CA2573149107.

ClinVar aggregate classification (germline): Pathogenic (1 of 4 stars; one submission).

Conditions:
Joubert syndrome. Also called: CEREBELLOPARENCHYMAL DISORDER IV; JOUBERT-BOLTSHAUSER SYNDROME; Familial aplasia of the vermis. Identifiers: Orphanet 475, MedGen C5979921, MONDO:0018772.
Nephronophthisis. Also called: Juvenile Nephronophthisis. Identifiers: Orphanet 655, MedGen C0687120, MONDO:0019005, HP:0000090.
Meckel-Gruber syndrome. Also called: DYSENCEPHALIA SPLANCHNOCYSTICA; GRUBER SYNDROME; Dysencephalia splachnocystica. Identifiers: Orphanet 564, MedGen C0265215, MONDO:0018921.

Submission:

Labcorp Genetics (formerly Invitae), Labcorp
Classification: Pathogenic for Joubert syndrome; Meckel-Gruber syndrome; Nephronophthisis. Last evaluated: 2021-05-19. Review status: criteria provided, single submitter. Criteria: Invitae Variant Classification Sherloc (09022015). Collection method: clinical testing. Allele origin: germline.
Comment: For these reasons, this variant has been classified as Pathogenic. This variant has not been reported in the literature in individuals with CEP290-related conditions. This variant is not present in population databases (ExAC no frequency). This sequence change creates a premature translational stop signal (p.Glu1931Argfs*9) in the CEP290 gene. It is expected to result in an absent or disrupted protein product. Loss-of-function variants in CEP290 are known to be pathogenic (PMID: 16909394, 17345604, 20690115).

Literature cited by the submitters: PubMed 16909394; PubMed 17345604; PubMed 20690115.